The following is an entry in ClinVar:

ClinVar aggregate classification (germline): Uncertain significance (1 of 4 stars; one submission).

Submission:

Labcorp Genetics (formerly Invitae), Labcorp
Classification: Uncertain significance. Last evaluated: 2025-11-27. Review status: criteria provided, single submitter. Criteria: Invitae Variant Classification Sherloc (09022015). Collection method: clinical testing. Allele origin: germline.
Comment: This sequence change replaces isoleucine, which is neutral and non-polar, with phenylalanine, which is neutral and non-polar, at codon 52 of the NTRK2 protein (p.Ile52Phe). This variant is not present in population databases (gnomAD no frequency). This variant has not been reported in the literature in individuals affected with NTRK2-related conditions. Invitae Evidence Modeling of protein sequence and biophysical properties (such as structural, functional, and spatial information, amino acid conservation, physicochemical variation, residue mobility, and thermodynamic stability) indicates that this missense variant is not expected to disrupt NTRK2 protein function with a negative predictive value of 80%. In summary, the available evidence is currently insufficient to determine the role of this variant in disease. Therefore, it has been classified as a Variant of Uncertain Significance.

NM_006180.6(NTRK2):c.154A>T (p.Ile52Phe)

Gene: NTRK2 (neurotrophic receptor tyrosine kinase 2; plus strand). Cytogenetic location: 9q21.33.
Variant type: single nucleotide variant.
Coding change: c.154A>T on transcript NM_006180.6 (MANE Select); coding-DNA position 154, A replaced by T.
Protein change: p.Ile52Phe; replaces isoleucine 52 with phenylalanine.
Molecular consequence: missense variant.
Genome position (GRCh38, 1-based): chr9:84,670,902, A>T. VCF-style: chr9-84670902-A-T. GRCh37 (hg19) VCF-style: chr9-87285817-A-T.
Other names: c.154A>T, p.Ile52Phe (NM_001007097.3, NM_001018064.3, NM_001018065.2 and 18 more transcripts); short protein forms I52F.
Identifiers: ClinVar variation 4736850 (VCV004736850.1).